The following is an entry in ClinVar:

ClinVar aggregate classification (germline): Conflicting classifications of pathogenicity. Review status: criteria provided, conflicting classifications (1 of 4 stars). 6 submissions from 6 submitters: Uncertain significance (4); Likely benign (2). Last evaluated 2026-07-01.

Conditions:
Inborn genetic diseases. Identifiers: MedGen C0950123, MeSH D030342.
Al-Raqad syndrome. Identifiers: MedGen C4085595, MONDO:0014648, OMIM 616459.

Allele frequency attached by ClinVar (database versions not stated): 1000 Genomes Project 30x 0.00031; 1000 Genomes Project 0.00040; ExAC 0.00060; gnomAD 0.00061 and 0.00064; ESP Exome Variant Server 0.00062; TOPMed 0.00062; gnomAD exomes 0.00071.
gnomAD v4.1: 820 of 1,614,276 alleles (0.051%); highest among the groups gnomAD compares: Middle Eastern, 1.4%; 4 homozygotes.

Submissions (6):

CeGaT Center for Human Genetics Tuebingen
Classification: Likely benign. Last evaluated: 2026-07-01. Review status: criteria provided, single submitter. Criteria: CeGaT Center For Human Genetics Tuebingen Variant Classification Criteria Version 2. Collection method: clinical testing. Allele origin: germline. Affected: yes. Observed: 3 variant alleles.
Comment: DCPS: BP4

Women's Health and Genetics/Laboratory Corporation of America, LabCorp
Classification: Uncertain significance. Last evaluated: 2024-06-28. Review status: criteria provided, single submitter. Criteria: LabCorp Variant Classification Summary - May 2015. Collection method: clinical testing. Allele origin: germline.
Comment: Variant summary: DCPS c.87G>T (p.Glu29Asp) results in a conservative amino acid change in the encoded protein sequence. Five of five in-silico tools predict a benign effect of the variant on protein function. The variant allele was found at a frequency of 0.00071 in 251372 control chromosomes. This frequency is not significantly higher than estimated for a pathogenic variant in DCPS causing Al-Raqad Syndrome, allowing no conclusion about variant significance. To our knowledge, no occurrence of c.87G>T in individuals affected with Al-Raqad Syndrome and no experimental evidence demonstrating its impact on protein function have been reported. ClinVar contains an entry for this variant (Variation ID: 500319). Based on the evidence outlined above, the variant was classified as uncertain significance.

Daryl Scott Lab, Baylor College of Medicine
Classification: Uncertain significance for Al-Raqad syndrome. Last evaluated: 2024-01-01. Review status: criteria provided, single submitter. Criteria: ACMG Guidelines, 2015. Collection method: clinical testing. Allele origin: biparental. Observed: 1 homozygote.
Comment: no criteria met

Ambry Genetics
Classification: Uncertain significance for Inborn genetic diseases. Last evaluated: 2021-09-13. Review status: criteria provided, single submitter. Criteria: Ambry Variant Classification Scheme 2023. Collection method: clinical testing. Allele origin: germline.

Labcorp Genetics (formerly Invitae), Labcorp
Classification: Likely benign. Last evaluated: 2019-12-31. Review status: criteria provided, single submitter. Criteria: Invitae Variant Classification Sherloc (09022015). Collection method: clinical testing. Allele origin: germline.

Eurofins Ntd Llc (ga)
Classification: Uncertain significance. Last evaluated: 2017-02-02. Review status: criteria provided, single submitter. Criteria: EGL Classification Definitions 2015. Collection method: clinical testing. Allele origin: germline. Observed: 1 variant allele, 1 heterozygote.

NM_014026.6(DCPS):c.87G>T (p.Glu29Asp)

Genes: DCPS (decapping enzyme, scavenger; plus strand), TIRAP-AS1 (TIRAP antisense RNA 1; minus strand). Cytogenetic location: 11q24.2.
Variant type: single nucleotide variant.
Coding change: c.87G>T on transcript NM_014026.6 (MANE Select); coding-DNA position 87, G replaced by T.
Protein change: p.Glu29Asp; replaces glutamic acid 29 with aspartic acid.
Molecular consequence: missense variant.
Genome position (GRCh38, 1-based): chr11:126,304,167, G>T. VCF-style: chr11-126304167-G-T. GRCh37 (hg19) VCF-style: chr11-126174062-G-T.
Other names: c.87G>T, p.Glu29Asp (NM_001350236.2); c.87G>T (NM_014026.3); short protein forms E29D.
Identifiers: ClinVar variation 500319 (VCV000500319.16), dbSNP rs147935593, ClinGen allele CA6354884.